The following is an entry in ClinVar:

NM_003331.5(TYK2):c.1669+7_1669+8inv

Gene: TYK2 (tyrosine kinase 2; minus strand). Cytogenetic location: 19p13.2.
Variant type: Inversion.
Coding change: c.1669+7_1669+8inv on transcript NM_003331.5 (MANE Select).
Molecular consequence: intron variant.
Genome position: GRCh38 VCF-style: chr19-10362256-CA-TG. GRCh37 (hg19) VCF-style: chr19-10472932-CA-TG.
Other names: c.1669+7_1669+8inv (NM_001385199.1, NM_001406461.1, NM_001385207.1 and 6 more transcripts); c.1579+7_1579+8inv (NM_001385205.1); c.1471+7_1471+8inv (NM_001385201.1); c.1543+7_1543+8inv (NM_001385206.1).
Identifiers: ClinVar variation 3624806 (VCV003624806.2).
Genomic context (GRCh38, chr19:10,362,256, plus strand): 5'-CAAGTCATGGAGGGCGGGCCTGGGGGAGAGATGCCACATCCCACCCAGAGGTCCCCCTAT[CA>TG]TCGTACCTCCTGGTTGGGGCAGGCAACAGCGACGCAGAGAGAAGCAGTCATCCCCGGCCC-3'

ClinVar aggregate classification (germline): Uncertain significance (1 of 4 stars; one submission).

Conditions:
Immunodeficiency 35 (IMD35). Also called: HIES WITH ATYPICAL MYCOBACTERIOSIS, AUTOSOMAL RECESSIVE; HYPER-IgE SYNDROME WITH ATYPICAL MYCOBACTERIOSIS, AUTOSOMAL RECESSIVE; TYK2 DEFICIENCY; Susceptibility to infection due to TYK2 deficiency. Identifiers: Orphanet 331226, MedGen C1969086, MONDO:0012682, OMIM 611521.

Submission:

Labcorp Genetics (formerly Invitae), Labcorp
Classification: Uncertain significance for Immunodeficiency 35. Last evaluated: 2025-05-28. Review status: criteria provided, single submitter. Criteria: Invitae Variant Classification Sherloc (09022015). Collection method: clinical testing. Allele origin: germline.
Comment: This sequence change falls in intron 11 of the TYK2 gene. It does not directly change the encoded amino acid sequence of the TYK2 protein. Information on the frequency of this variant in the gnomAD database is not available, as this variant may be reported differently in the database. This variant has not been reported in the literature in individuals affected with TYK2-related conditions. ClinVar contains an entry for this variant (Variation ID: 3624806). Experimental studies and prediction algorithms are not available or were not evaluated, and the effect of this variant on mRNA splicing is currently unknown. In summary, the available evidence is currently insufficient to determine the role of this variant in disease. Therefore, it has been classified as a Variant of Uncertain Significance.